The following is an entry in ClinVar:

NM_000211.5(ITGB2):c.117G>A (p.Ser39=)

Gene: ITGB2 (integrin subunit beta 2; minus strand). Cytogenetic location: 21q22.3.
Variant type: single nucleotide variant.
Coding change: c.117G>A on transcript NM_000211.5 (MANE Select); coding-DNA position 117, G replaced by A.
Protein change: p.Ser39=; no amino-acid change (serine 39 retained).
Molecular consequence: synonymous variant. On other transcripts: 5 prime UTR variant (1).
Genome position (GRCh38, 1-based): chr21:44,910,314, C>T on the plus strand (G>A on the coding strand, the complement: ITGB2 is on the minus strand). VCF-style: chr21-44910314-C-T. GRCh37 (hg19) VCF-style: chr21-46330229-C-T.
Other names: p.Ser39=; c.117G>A, p.Ser39= (NM_001127491.3); c.-91G>A (NM_001303238.2); c.117G>A (LRG_76t1).
Identifiers: ClinVar variation 340180 (VCV000340180.18), dbSNP rs35903905, ClinGen allele CA10063394.

ClinVar aggregate classification (germline): Benign/Likely benign. Review status: criteria provided, multiple submitters, no conflicts (2 of 4 stars). 6 submissions from 6 submitters: Benign (5); Likely benign (1). Last evaluated 2026-02-04.

Conditions:
Leukocyte adhesion deficiency 1 (LAD1). Also called: LEUKOCYTE ADHESION DEFICIENCY, TYPE I; LAD 1; Lymphocyte function-associated antigen 1 immunodeficiency; LFA 1 immunodeficiency. Identifiers: Orphanet 2968, Orphanet 99842, MedGen C0398738, MONDO:0007293, OMIM 116920.

Allele frequency attached by ClinVar (database versions not stated): ESP Exome Variant Server 0.01123; gnomAD 0.01127 and 0.01261; TOPMed 0.01181; gnomAD exomes 0.01619 and 0.01906; ExAC 0.01936; 1000 Genomes Project 30x 0.01952; 1000 Genomes Project 0.02017.

Submissions (6):

Labcorp Genetics (formerly Invitae), Labcorp
Classification: Benign for Leukocyte adhesion deficiency 1. Last evaluated: 2026-02-04. Review status: criteria provided, single submitter. Criteria: Invitae Variant Classification Sherloc (09022015). Collection method: clinical testing. Allele origin: germline.

Women's Health and Genetics/Laboratory Corporation of America, LabCorp
Classification: Benign. Last evaluated: 2026-01-22. Review status: criteria provided, single submitter. Criteria: LabCorp Variant Classification Summary - May 2015. Collection method: clinical testing. Allele origin: germline.

Blueprint Genetics
Classification: Likely benign. Last evaluated: 2024-11-28. Review status: criteria provided, single submitter. Criteria: ACMG Guidelines, 2015. Collection method: clinical testing. Allele origin: germline.

Mayo Clinic Laboratories, Mayo Clinic
Classification: Benign. Last evaluated: 2019-04-10. Review status: criteria provided, single submitter. Criteria: ACMG Guidelines, 2015. Collection method: clinical testing. Allele origin: germline. Observed: 18 variant alleles.

Illumina Laboratory Services, Illumina
Classification: Benign for Leukocyte adhesion deficiency 1. Last evaluated: 2018-01-12. Review status: criteria provided, single submitter. Criteria: ICSL Variant Classification Criteria 13 December 2019. Collection method: clinical testing. Allele origin: germline.
Comment: This variant was observed in the ICSL laboratory as part of a predisposition screen in an ostensibly healthy population. It had not been previously curated by ICSL or reported in the Human Gene Mutation Database (HGMD: prior to June 1st, 2018), and was therefore a candidate for classification through an automated scoring system. Utilizing variant allele frequency, disease prevalence and penetrance estimates, and inheritance mode, an automated score was calculated to assess if this variant is too frequent to cause the disease. Based on the score and internal cut-off values, a variant classified as benign is not then subjected to further curation. The score for this variant resulted in a classification of benign for this disease.

Breakthrough Genomics
Classification: Benign. Review status: criteria provided, single submitter. Criteria: ACMG Guidelines, 2015. Collection method: not provided. Allele origin: germline. Inheritance: Autosomal recessive inheritance. Affected: yes.